The following is an entry in ClinVar:

NM_024656.4(COLGALT1):c.1542G>A (p.Pro514=)

Gene: COLGALT1 (collagen beta(1-O)galactosyltransferase 1; plus strand). Cytogenetic location: 19p13.11.
Variant type: single nucleotide variant.
Coding change: c.1542G>A on transcript NM_024656.4 (MANE Select); coding-DNA position 1542, G replaced by A.
Protein change: p.Pro514=; no amino-acid change (proline 514 retained).
Molecular consequence: synonymous variant.
Genome position (GRCh38, 1-based): chr19:17,580,846, G>A. VCF-style: chr19-17580846-G-A. GRCh37 (hg19) VCF-style: chr19-17691655-G-A.
Other names: c.1542G>A (NM_024656.3).
Identifiers: ClinVar variation 2057264 (VCV002057264.8), dbSNP rs74461907, ClinGen allele CA9297344.

ClinVar aggregate classification (germline): Benign/Likely benign. Review status: criteria provided, multiple submitters, no conflicts (2 of 4 stars). 4 submissions from 4 submitters: Benign (1); Likely benign (2). 1 of the submissions does not count toward it. Last evaluated 2026-07-01.

Conditions:
COLGALT1-related disorder. Also called: COLGALT1-related condition.

Allele frequency attached by ClinVar (database versions not stated): ESP Exome Variant Server 0.00015; gnomAD exomes 0.00046; gnomAD 0.00104; TOPMed 0.00110; ExAC 0.00156; 1000 Genomes Project 30x 0.00297; 1000 Genomes Project 0.00339.
gnomAD v4.1: 912 of 1,613,912 alleles (0.057%); highest among the groups gnomAD compares: East Asian, 1.4%; 8 homozygotes.

Submissions (4):

CeGaT Center for Human Genetics Tuebingen
Classification: Likely benign. Last evaluated: 2026-07-01. Review status: criteria provided, single submitter. Criteria: CeGaT Center For Human Genetics Tuebingen Variant Classification Criteria Version 2. Collection method: clinical testing. Allele origin: germline. Affected: yes. Observed: 1 variant allele.
Comment: COLGALT1: BP4, BP7, BS1

Labcorp Genetics (formerly Invitae), Labcorp
Classification: Benign. Last evaluated: 2025-08-30. Review status: criteria provided, single submitter. Criteria: Invitae Variant Classification Sherloc (09022015). Collection method: clinical testing. Allele origin: germline.

Blueprint Genetics
Classification: Likely benign. Last evaluated: 2024-11-26. Review status: criteria provided, single submitter. Criteria: ACMG Guidelines, 2015. Collection method: clinical testing. Allele origin: germline.

PreventionGenetics, part of Exact Sciences
Classification: Benign for COLGALT1-related condition. Last evaluated: 2019-08-20. Review status: no assertion criteria provided. Collection method: clinical testing. Allele origin: germline. Not counted in ClinVar's aggregate classification.
Comment: This variant is classified as benign based on ACMG/AMP sequence variant interpretation guidelines (Richards et al. 2015 PMID: 25741868, with internal and published modifications).